The following is an entry in ClinVar:

ClinVar aggregate classification (germline): Uncertain significance (1 of 4 stars; one submission).

Submission:

Labcorp Genetics (formerly Invitae), Labcorp
Classification: Uncertain significance. Last evaluated: 2025-09-28. Review status: criteria provided, single submitter. Criteria: Invitae Variant Classification Sherloc (09022015). Collection method: clinical testing. Allele origin: germline.
Comment: This sequence change replaces glycine, which is neutral and non-polar, with arginine, which is basic and polar, at codon 1392 of the SETBP1 protein (p.Gly1392Arg). This variant is not present in population databases (gnomAD no frequency). This variant has not been reported in the literature in individuals affected with SETBP1-related conditions. An algorithm developed to predict the effect of missense changes on protein structure and function (PolyPhen-2) suggests that this variant is likely to be tolerated. In summary, the available evidence is currently insufficient to determine the role of this variant in disease. Therefore, it has been classified as a Variant of Uncertain Significance.

NM_015559.3(SETBP1):c.4174G>C (p.Gly1392Arg)

Gene: SETBP1 (SET binding protein 1; plus strand). Cytogenetic location: 18q12.3.
Variant type: single nucleotide variant.
Coding change: c.4174G>C on transcript NM_015559.3 (MANE Select); coding-DNA position 4174, G replaced by C.
Protein change: p.Gly1392Arg; replaces glycine 1392 with arginine.
Molecular consequence: missense variant.
Genome position (GRCh38, 1-based): chr18:45,063,081, G>C. VCF-style: chr18-45063081-G-C. GRCh37 (hg19) VCF-style: chr18-42643046-G-C.
Other names: c.4174G>C, p.Gly1392Arg (NM_001379141.1, NM_001379142.1); c.4003G>C, p.Gly1335Arg (NM_001410862.1); short protein forms G1335R, G1392R.
Identifiers: ClinVar variation 4726069 (VCV004726069.1).